The following is an entry in ClinVar:

NM_176787.5(PIGN):c.2447A>G (p.Tyr816Cys)

Gene: PIGN (phosphatidylinositol glycan anchor biosynthesis class N; minus strand). Cytogenetic location: 18q21.33.
Variant type: single nucleotide variant.
Coding change: c.2447A>G on transcript NM_176787.5 (MANE Select); coding-DNA position 2447, A replaced by G.
Protein change: p.Tyr816Cys; replaces tyrosine 816 with cysteine.
Molecular consequence: missense variant.
Genome position (GRCh38, 1-based): chr18:62,084,586, T>C on the plus strand (A>G on the coding strand, the complement: PIGN is on the minus strand). VCF-style: chr18-62084586-T-C. GRCh37 (hg19) VCF-style: chr18-59751819-T-C.
Other names: c.2447A>G, p.Tyr816Cys (NM_012327.6); short protein forms Y816C.
Identifiers: ClinVar variation 643029 (VCV000643029.16), dbSNP rs200750917, ClinGen allele CA8981977.
Genomic context (GRCh38, chr18:62,084,586, plus strand): 5'-CTAACCTTCCACATCATCAGGGCTCCCATCATAAAAGGACTGAACACAGTCAGAAAGCAA[T>C]AGACAGAGGCAAGATCAAAGCTAGGGAATTATAACAAGGAAAAAGAATTTAGAATTCACT-3'
Protein context (NP_789744.1, residues 806-826): SINSFDLASV[Tyr816Cys]CFLTVFSPFM

ClinVar aggregate classification (germline): Uncertain significance. Review status: criteria provided, multiple submitters, no conflicts (2 of 4 stars). 4 submissions from 4 submitters: Uncertain significance (4). Last evaluated 2025-09-25.

Conditions:
Multiple congenital anomalies-hypotonia-seizures syndrome 1 (MCAHS1). Also called: PIGN-CDG; Congenital disorder of glycosylation due to PIGN deficiency; GLYCOSYLPHOSPHATIDYLINOSITOL BIOSYNTHESIS DEFECT 3. Identifiers: Orphanet 280633, MedGen C3279775, MONDO:0013563, OMIM 614080.
Inborn genetic diseases. Identifiers: MedGen C0950123, MeSH D030342.

Allele frequency attached by ClinVar (database versions not stated): gnomAD exomes 0.00006; ESP Exome Variant Server 0.00042; gnomAD 0.00012 and 0.00011; TOPMed 0.00011; ExAC 0.00019.
gnomAD v4.1: 411 of 1,556,908 alleles (0.026%); highest among the groups gnomAD compares: Non-Finnish European, 0.034%; no homozygotes.

Submissions (4):

Ambry Genetics
Classification: Uncertain significance for Inborn genetic diseases. Last evaluated: 2025-09-25. Review status: criteria provided, single submitter. Criteria: Ambry Variant Classification Scheme 2023. Collection method: clinical testing. Allele origin: germline.

Labcorp Genetics (formerly Invitae), Labcorp
Classification: Uncertain significance for Multiple congenital anomalies-hypotonia-seizures syndrome 1. Last evaluated: 2024-08-04. Review status: criteria provided, single submitter. Criteria: Invitae Variant Classification Sherloc (09022015). Collection method: clinical testing. Allele origin: germline.
Comment: This sequence change replaces tyrosine, which is neutral and polar, with cysteine, which is neutral and slightly polar, at codon 816 of the PIGN protein (p.Tyr816Cys). This variant is present in population databases (rs200750917, gnomAD 0.01%). This variant has not been reported in the literature in individuals affected with PIGN-related conditions. ClinVar contains an entry for this variant (Variation ID: 643029). Advanced modeling of protein sequence and biophysical properties (such as structural, functional, and spatial information, amino acid conservation, physicochemical variation, residue mobility, and thermodynamic stability) has been performed at Invitae for this missense variant, however the output from this modeling did not meet the statistical confidence thresholds required to predict the impact of this variant on PIGN protein function. In summary, the available evidence is currently insufficient to determine the role of this variant in disease. Therefore, it has been classified as a Variant of Uncertain Significance.

GeneDx
Classification: Uncertain significance. Last evaluated: 2024-03-27. Review status: criteria provided, single submitter. Criteria: GeneDx Variant Classification Process June 2021. Collection method: clinical testing. Allele origin: germline. Affected: yes.
Comment: In silico analysis supports that this missense variant has a deleterious effect on protein structure/function; Has not been previously published as pathogenic or benign to our knowledge

Athena Diagnostics
Classification: Uncertain significance. Last evaluated: 2018-09-28. Review status: criteria provided, single submitter. Criteria: Athena Diagnostics Criteria. Collection method: clinical testing. Allele origin: germline.